The following is an entry in ClinVar:

ClinVar aggregate classification (germline): Uncertain significance. Review status: criteria provided, multiple submitters, no conflicts (2 of 4 stars). 2 submissions from 2 submitters: Uncertain significance (2). Last evaluated 2025-01-21.

Conditions:
Hereditary cancer-predisposing syndrome. Also called: Tumor predisposition; Hereditary neoplastic syndrome; Neoplastic Syndromes, Hereditary; Hereditary Cancer Syndrome. Identifiers: Orphanet 140162, MedGen C0027672, MeSH D009386, MONDO:0015356.
Rhabdoid tumor predisposition syndrome 2 (RTPS2). Identifiers: Orphanet 231108, Orphanet 69077, MedGen C2750074, MONDO:0013224, OMIM 613325.

Allele frequency attached by ClinVar (database versions not stated): TOPMed below 0.00001.

Submissions (2):

Labcorp Genetics (formerly Invitae), Labcorp
Classification: Uncertain significance for Rhabdoid tumor predisposition syndrome 2. Last evaluated: 2025-01-21. Review status: criteria provided, single submitter. Criteria: Invitae Variant Classification Sherloc (09022015). Collection method: clinical testing. Allele origin: germline.
Comment: This sequence change replaces valine, which is neutral and non-polar, with methionine, which is neutral and non-polar, at codon 204 of the SMARCA4 protein (p.Val204Met). This variant is not present in population databases (gnomAD no frequency). This variant has not been reported in the literature in individuals affected with SMARCA4-related conditions. ClinVar contains an entry for this variant (Variation ID: 665467). Invitae Evidence Modeling of protein sequence and biophysical properties (such as structural, functional, and spatial information, amino acid conservation, physicochemical variation, residue mobility, and thermodynamic stability) has been performed for this missense variant. However, the output from this modeling did not meet the statistical confidence thresholds required to predict the impact of this variant on SMARCA4 protein function. In summary, the available evidence is currently insufficient to determine the role of this variant in disease. Therefore, it has been classified as a Variant of Uncertain Significance.

Ambry Genetics
Classification: Uncertain significance for Hereditary cancer-predisposing syndrome. Last evaluated: 2023-03-17. Review status: criteria provided, single submitter. Criteria: Ambry Variant Classification Scheme 2023. Collection method: clinical testing. Allele origin: germline.
Comment: The p.V204M variant (also known as c.610G>A), located in coding exon 3 of the SMARCA4 gene, results from a G to A substitution at nucleotide position 610. The valine at codon 204 is replaced by methionine, an amino acid with highly similar properties. This amino acid position is highly conserved in available vertebrate species. In addition, the in silico prediction for this alteration is inconclusive. Missense and in-frame variants in SMARCA4 are known to cause neurodevelopmental disorders; however, such associations with rhabdoid tumor predisposition syndrome including small cell carcinoma of the ovary-hypercalcemic type (SCCOHT) are exceedingly rare (Kosho T et al. Am J Med Genet C Semin Med Genet. 2014 Sep;166C(3):262-75; Jelinic P et al. Nat Genet. 2014 May;46(5):424-6). Based on the supporting evidence, the association of this alteration with Coffin-Siris syndrome is unknown; however, the association of this alteration with rhabdoid tumor predisposition syndrome is unlikely.

NM_003072.5(SMARCA4):c.610G>A (p.Val204Met)

Gene: SMARCA4 (SWI/SNF related BAF chromatin remodeling complex subunit ATPase 4; plus strand). Cytogenetic location: 19p13.2.
Variant type: single nucleotide variant.
Coding change: c.610G>A on transcript NM_003072.5 (MANE Select); coding-DNA position 610, G replaced by A.
Protein change: p.Val204Met; replaces valine 204 with methionine.
Molecular consequence: missense variant. On other transcripts: non-coding transcript variant (1).
Genome position (GRCh38, 1-based): chr19:10,986,443, G>A. VCF-style: chr19-10986443-G-A. GRCh37 (hg19) VCF-style: chr19-11097119-G-A.
Other names: c.610G>A, p.Val204Met (NM_001128844.3, NM_001128845.2, NM_001128846.2 and 5 more transcripts); short protein forms V204M.
Identifiers: ClinVar variation 665467 (VCV000665467.11), dbSNP rs1599951334, ClinGen allele CA404056558.